The following is an entry in ClinVar:

NM_152296.5(ATP1A3):c.472-14C>G

Gene: ATP1A3 (ATPase Na+/K+ transporting subunit alpha 3; minus strand). Cytogenetic location: 19q13.2.
Variant type: single nucleotide variant.
Coding change: c.472-14C>G on transcript NM_152296.5 (MANE Select); 14 bases into the intron before coding-DNA position 472, C replaced by G.
Molecular consequence: intron variant.
Genome position (GRCh38, 1-based): chr19:41,986,012, G>C on the plus strand (C>G on the coding strand, the complement: ATP1A3 is on the minus strand). VCF-style: chr19-41986012-G-C. GRCh37 (hg19) VCF-style: chr19-42490164-G-C.
Other names: c.511-14C>G (NM_001256214.2); c.505-14C>G (NM_001256213.2).
Identifiers: ClinVar variation 3766885 (VCV003766885.1).

ClinVar aggregate classification (germline): Uncertain significance (1 of 4 stars; one submission).

Submission:

ARUP Laboratories, Molecular Genetics and Genomics, ARUP Laboratories
Classification: Uncertain significance. Last evaluated: 2024-10-11. Review status: criteria provided, single submitter. Criteria: ARUP Molecular Germline Variant Investigation Process 2024. Collection method: clinical testing. Allele origin: germline.
Comment: The ATP1A3 c.472-14C>G variant, to our knowledge, is not reported in the medical literature or gene specific databases. This variant is also absent from the Genome Aggregation Database (v2.1.1), indicating it is not a common polymorphism. This is an intronic variant and computational analyses (Alamut Visual Plus v.1.5.1) predict that this variant may impact splicing by weakening the nearby canonical acceptor splice site. Due to limited information, the clinical significance of this variant is uncertain at this time.